The following is an entry in ClinVar:

NM_017777.4(MKS1):c.1580A>G (p.Asn527Ser)

Gene: MKS1 (MKS transition zone complex subunit 1; minus strand). Cytogenetic location: 17q22.
Variant type: single nucleotide variant.
Coding change: c.1580A>G on transcript NM_017777.4 (MANE Select); coding-DNA position 1580, A replaced by G.
Protein change: p.Asn527Ser; replaces asparagine 527 with serine.
Molecular consequence: missense variant. On other transcripts: synonymous variant (1).
Genome position (GRCh38, 1-based): chr17:58,206,291, T>C on the plus strand (A>G on the coding strand, the complement: MKS1 is on the minus strand). VCF-style: chr17-58206291-T-C. GRCh37 (hg19) VCF-style: chr17-56283652-T-C.
Other names: c.971A>G, p.Asn324Ser (NM_001321268.2); c.1497A>G, p.Gln499= (NM_001321269.2); c.1363A>G, p.Met455Val (NM_001330397.2); c.1580A>G (NM_017777.3); short protein forms N527S, M455V, N324S.
Identifiers: ClinVar variation 593348 (VCV000593348.9), dbSNP rs774309110, ClinGen allele CA8669086.
Genomic context (GRCh38, chr17:58,206,291, plus strand): 5'-GAGAAACAGGCCCATGCTGACCTGGGGTGGCCAGCTGGGGGAGGGGACATACCTAGCACA[T>C]TGTGAATGGAACTCTGCTGGCTGAACCCTTCCAGACGGTCCAACACACTCCGCATCCTTT-3'
Protein context (NP_060247.2, residues 517-537): EGFSQQSSIH[Asn527Ser]VLEAFRRARR

ClinVar aggregate classification (germline): Uncertain significance. Review status: criteria provided, multiple submitters, no conflicts (2 of 4 stars). 3 submissions from 3 submitters: Uncertain significance (3). Last evaluated 2026-01-14.

Conditions:
MKS1-related disorder. Also called: MKS1-related disorders; MKS1-related condition. Identifiers: MedGen CN239382.
Meckel-Gruber syndrome. Also called: DYSENCEPHALIA SPLANCHNOCYSTICA; GRUBER SYNDROME; Dysencephalia splachnocystica. Identifiers: Orphanet 564, MedGen C0265215, MONDO:0018921.
Joubert syndrome. Also called: Familial aplasia of the vermis; JOUBERT-BOLTSHAUSER SYNDROME. Identifiers: Orphanet 475, MedGen C5979921, MONDO:0018772.

Allele frequency attached by ClinVar (database versions not stated): gnomAD 0.00006; TOPMed 0.00007; ExAC 0.00001; gnomAD exomes 0.00001.
gnomAD v4.1: 23 of 1,613,944 alleles (0.0014%); highest among the groups gnomAD compares: African/African-American, 0.024%; no homozygotes.

Submissions (3):

PreventionGenetics, part of Exact Sciences
Classification: Uncertain significance for MKS1-related condition. Last evaluated: 2026-01-14. Review status: criteria provided, single submitter. Criteria: ACMG Guidelines, 2015. Collection method: clinical testing. Allele origin: germline.
Comment: The MKS1 c.1580A>G variant is predicted to result in the amino acid substitution p.Asn527Ser. To our knowledge, this variant has not been reported in the literature. This variant is reported in 0.021% of alleles in individuals of African descent in gnomAD. At this time, the clinical significance of this variant is uncertain due to the absence of conclusive functional and genetic evidence.

Labcorp Genetics (formerly Invitae), Labcorp
Classification: Uncertain significance for Joubert syndrome; Meckel-Gruber syndrome. Last evaluated: 2023-11-06. Review status: criteria provided, single submitter. Criteria: Invitae Variant Classification Sherloc (09022015). Collection method: clinical testing. Allele origin: germline.
Comment: This sequence change replaces asparagine, which is neutral and polar, with serine, which is neutral and polar, at codon 527 of the MKS1 protein (p.Asn527Ser). This variant is present in population databases (rs774309110, gnomAD 0.02%). This variant has not been reported in the literature in individuals affected with MKS1-related conditions. ClinVar contains an entry for this variant (Variation ID: 593348). Advanced modeling of protein sequence and biophysical properties (such as structural, functional, and spatial information, amino acid conservation, physicochemical variation, residue mobility, and thermodynamic stability) performed at Invitae indicates that this missense variant is not expected to disrupt MKS1 protein function with a negative predictive value of 80%. In summary, the available evidence is currently insufficient to determine the role of this variant in disease. Therefore, it has been classified as a Variant of Uncertain Significance.

Eurofins Ntd Llc (ga)
Classification: Uncertain significance. Last evaluated: 2017-07-20. Review status: criteria provided, single submitter. Criteria: EGL Classification Definitions 2015. Collection method: clinical testing. Allele origin: germline. Observed: 1 variant allele, 1 heterozygote.